The following is an entry in ClinVar:

NM_001182.4(ALDH7A1):c.-117G>T

Gene: ALDH7A1 (aldehyde dehydrogenase 7 family member A1; minus strand). Cytogenetic location: 5q23.2.
Variant type: single nucleotide variant.
Coding change: c.-117G>T on transcript NM_001182.4; 117 bases upstream of the start codon, G replaced by T.
Genome position (GRCh38, 1-based): chr5:126,595,315, C>A on the plus strand (G>T on the coding strand, the complement: ALDH7A1 is on the minus strand). VCF-style: chr5-126595315-C-A. GRCh37 (hg19) VCF-style: chr5-125931007-C-A.
Identifiers: ClinVar variation 350590 (VCV000350590.10), dbSNP rs146562077, ClinGen allele CA3389962.
Genomic context (GRCh38, chr5:126,595,315, plus strand): 5'-CCGCCCCCCGCCCGGGAGAACCCATTGGGCAGACCCGACCCCTCCCACTGGGCACGACCC[C>A]GCCACCGCCCCGTCTGCCCCTGGTCTTCCGGAGGAGCCTGCGGCTGAATCCTGCCTGGAA-3'

ClinVar aggregate classification (germline): Benign/Likely benign. Review status: criteria provided, multiple submitters, no conflicts (2 of 4 stars). 4 submissions from 4 submitters: Benign (2); Likely benign (2). Last evaluated 2023-04-11.

Conditions:
Pyridoxine-dependent epilepsy (EPEO4). Also called: Pyridoxine-Dependent Seizures; EPILEPSY, EARLY-ONSET, 4, VITAMIN B6-DEPENDENT; PYRIDOXINE DEPENDENCY WITH SEIZURES; Pyridoxine-Dependent Epilepsy - ALDH7A1. Identifiers: Orphanet 3006, MedGen C1849508, MONDO:0009945, OMIM 266100. Disease mechanism: loss of function.

Allele frequency attached by ClinVar (database versions not stated): ExAC 0.01544; 1000 Genomes Project 30x 0.01077; gnomAD 0.00663 and 0.00683; TOPMed 0.00691; 1000 Genomes Project 0.01018.

Submissions (4):

Genome-Nilou Lab
Classification: Benign for Pyridoxine-dependent epilepsy. Last evaluated: 2023-04-11. Review status: criteria provided, single submitter. Criteria: ACMG Guidelines, 2015. Collection method: clinical testing. Allele origin: germline. Affected: no.

GeneDx
Classification: Likely benign. Last evaluated: 2018-07-21. Review status: criteria provided, single submitter. Criteria: GeneDx Variant Classification Process June 2021. Collection method: clinical testing. Allele origin: germline. Affected: yes.

Illumina Laboratory Services, Illumina
Classification: Benign for Pyridoxine-dependent epilepsy. Last evaluated: 2018-01-13. Review status: criteria provided, single submitter. Criteria: ICSL Variant Classification Criteria 13 December 2019. Collection method: clinical testing. Allele origin: germline.
Comment: This variant was observed in the ICSL laboratory as part of a predisposition screen in an ostensibly healthy population. It had not been previously curated by ICSL or reported in the Human Gene Mutation Database (HGMD: prior to June 1st, 2018), and was therefore a candidate for classification through an automated scoring system. Utilizing variant allele frequency, disease prevalence and penetrance estimates, and inheritance mode, an automated score was calculated to assess if this variant is too frequent to cause the disease. Based on the score and internal cut-off values, a variant classified as benign is not then subjected to further curation. The score for this variant resulted in a classification of benign for this disease.

Breakthrough Genomics
Classification: Likely benign. Review status: criteria provided, single submitter. Criteria: ACMG Guidelines, 2015. Collection method: not provided. Allele origin: germline. Inheritance: Autosomal recessive inheritance. Affected: yes.